The following is an entry in ClinVar:

ClinVar aggregate classification (germline): Uncertain significance (1 of 4 stars; one submission).

Conditions:
Stormorken syndrome (STRMK). Also called: THROMBOCYTOPATHY, ASPLENIA, AND MIOSIS. Identifiers: Orphanet 3204, MedGen C1861451, MONDO:0008497, OMIM 185070.
Myopathy with tubular aggregates (TAM). Also called: Tubular Aggregate Myopathy. Identifiers: Orphanet 2593, MedGen C0410207, MONDO:0008051.
Combined immunodeficiency due to STIM1 deficiency. Also called: IMMUNODEFICIENCY 10; STIM1 DEFICIENCY. Identifiers: Orphanet 169090, Orphanet 317430, MedGen C2748557, MONDO:0013008, OMIM 612783.

Allele frequency attached by ClinVar (database versions not stated): gnomAD exomes below 0.00001; gnomAD 0.00001.
gnomAD v4.1: 3 of 1,613,858 alleles (0.00019%); highest among the groups gnomAD compares: South Asian, 0.0011%; no homozygotes.

Submission:

Labcorp Genetics (formerly Invitae), Labcorp
Classification: Uncertain significance for Myopathy with tubular aggregates; Combined immunodeficiency due to STIM1 deficiency; Stormorken syndrome. Last evaluated: 2022-02-02. Review status: criteria provided, single submitter. Criteria: Invitae Variant Classification Sherloc (09022015). Collection method: clinical testing. Allele origin: germline.
Comment: This variant is not present in population databases (gnomAD no frequency). This sequence change replaces valine, which is neutral and non-polar, with leucine, which is neutral and non-polar, at codon 359 of the STIM1 protein (p.Val359Leu). This variant has not been reported in the literature in individuals affected with STIM1-related conditions. In summary, the available evidence is currently insufficient to determine the role of this variant in disease. Therefore, it has been classified as a Variant of Uncertain Significance. Algorithms developed to predict the effect of missense changes on protein structure and function are either unavailable or do not agree on the potential impact of this missense change (SIFT: "Tolerated"; PolyPhen-2: "Probably Damaging"; Align-GVGD: "Class C0"). ClinVar contains an entry for this variant (Variation ID: 1044336).

NM_001382567.1(STIM1):c.1075G>C (p.Val359Leu)

Gene: STIM1 (stromal interaction molecule 1; plus strand). Cytogenetic location: 11p15.4.
Variant type: single nucleotide variant.
Coding change: c.1075G>C on transcript NM_001382567.1 (MANE Select); coding-DNA position 1075, G replaced by C.
Protein change: p.Val359Leu; replaces valine 359 with leucine.
Molecular consequence: missense variant. On other transcripts: non-coding transcript variant (2).
Genome position (GRCh38, 1-based): chr11:4,082,289, G>C. VCF-style: chr11-4082289-G-C. GRCh37 (hg19) VCF-style: chr11-4103519-G-C.
Other names: c.1075G>C, p.Val359Leu (NM_001277961.3, NM_001277962.2, NM_001382568.1 and 1 more transcripts); c.853G>C, p.Val285Leu (NM_001382566.1, NM_001382573.1, NM_001382575.1 and 4 more transcripts); c.940G>C, p.Val314Leu (NM_001382569.1); c.847G>C, p.Val283Leu (NM_001382570.1); c.595G>C, p.Val199Leu (NM_001382571.1); c.586G>C, p.Val196Leu (NM_001382580.1, NM_001382581.1); short protein forms V199L, V196L, V285L, V359L, V283L, V314L.
Identifiers: ClinVar variation 1044336 (VCV001044336.9), dbSNP rs1565170474, ClinGen allele CA379192619.
Genomic context (GRCh38, chr11:4,082,289, plus strand): 5'-AGCTCATGGTATGCTCCAGAGGCCCTTCAGAAGTGGCTGCAGCTGACACATGAGGTGGAG[G>C]TGCAATATTACAACATCAAGAAGCAAAATGCTGAGAAGCAGCTGCTGGTGGCCAAGGAGG-3'
Protein context (NP_001369496.1, residues 349-369): KWLQLTHEVE[Val359Leu]QYYNIKKQNA